The following is an entry in ClinVar:

ClinVar aggregate classification (germline): Uncertain significance (1 of 4 stars; one submission).

Submission:

Ambry Genetics
Classification: Uncertain significance. Last evaluated: 2021-12-04. Review status: criteria provided, single submitter. Criteria: Ambry Variant Classification Scheme 2023. Collection method: clinical testing. Allele origin: germline.
Comment: The p.A927T variant (also known as c.2779G>A), located in coding exon 4 of the ALPK2 gene, results from a G to A substitution at nucleotide position 2779. The alanine at codon 927 is replaced by threonine, an amino acid with similar properties. This amino acid position is conserved. In addition, this alteration is predicted to be tolerated by in silico analysis. Since supporting evidence is limited at this time, the clinical significance of this alteration remains unclear.

NM_052947.4(ALPK2):c.2779G>A (p.Ala927Thr)

Gene: ALPK2 (alpha kinase 2; minus strand). Cytogenetic location: 18q21.31.
Variant type: single nucleotide variant.
Coding change: c.2779G>A on transcript NM_052947.4 (MANE Select); coding-DNA position 2779, G replaced by A.
Protein change: p.Ala927Thr; replaces alanine 927 with threonine.
Molecular consequence: missense variant.
Genome position (GRCh38, 1-based): chr18:58,537,408, C>T on the plus strand (G>A on the coding strand, the complement: ALPK2 is on the minus strand). VCF-style: chr18-58537408-C-T. GRCh37 (hg19) VCF-style: chr18-56204640-C-T.
Other names: short protein forms A927T.
Identifiers: ClinVar variation 1795885 (VCV001795885.2), dbSNP rs2518877253, ClinGen allele CA402569801.